The following is an entry in ClinVar:

NM_005245.4(FAT1):c.12237A>G (p.Arg4079=)

Gene: FAT1 (FAT atypical cadherin 1; minus strand). Cytogenetic location: 4q35.2.
Variant type: single nucleotide variant.
Coding change: c.12237A>G on transcript NM_005245.4 (MANE Select); coding-DNA position 12237, A replaced by G.
Protein change: p.Arg4079=; no amino-acid change (arginine 4079 retained).
Molecular consequence: synonymous variant.
Genome position (GRCh38, 1-based): chr4:186,597,992, T>C on the plus strand (A>G on the coding strand, the complement: FAT1 is on the minus strand). VCF-style: chr4-186597992-T-C. GRCh37 (hg19) VCF-style: chr4-187519146-T-C.
Identifiers: ClinVar variation 754537 (VCV000754537.12), dbSNP rs374812339, ClinGen allele CA3164898.

ClinVar aggregate classification (germline): Likely benign. Review status: criteria provided, multiple submitters, no conflicts (2 of 4 stars). 3 submissions from 3 submitters: Likely benign (2). 1 of the submissions does not count toward it. Last evaluated 2025-05-27.

Conditions:
FAT1-related disorder. Also called: FAT1-related condition.

Allele frequency attached by ClinVar (database versions not stated): ESP Exome Variant Server 0.00008; gnomAD 0.00017 and 0.00019; TOPMed 0.00017; gnomAD exomes 0.00018 and 0.00022; ExAC 0.00019.
gnomAD v4.1: 347 of 1,612,748 alleles (0.022%); highest among the groups gnomAD compares: Non-Finnish European, 0.028%; no homozygotes.

Submissions (5):

Labcorp Genetics (formerly Invitae), Labcorp
Classification: Likely benign. Last evaluated: 2025-05-27. Review status: criteria provided, single submitter. Criteria: Invitae Variant Classification Sherloc (09022015). Collection method: clinical testing. Allele origin: germline.

Blueprint Genetics
Classification: Likely benign. Last evaluated: 2024-11-26. Review status: criteria provided, single submitter. Criteria: ACMG Guidelines, 2015. Collection method: clinical testing. Allele origin: germline.

PreventionGenetics, part of Exact Sciences
Classification: Likely benign for FAT1-related condition. Last evaluated: 2019-05-20. Review status: no assertion criteria provided. Collection method: clinical testing. Allele origin: germline. Not counted in ClinVar's aggregate classification.
Comment: This variant is classified as likely benign based on ACMG/AMP sequence variant interpretation guidelines (Richards et al. 2015 PMID: 25741868, with internal and published modifications).

Dr. Peter K. Rogan Lab, Western University
No classification provided (evidence only). Condition: Thyroid cancer, nonmedullary, 1. Review status: no classification provided. Collection method: in vitro. Allele origin: not applicable. Functional consequence: retained intron. Not counted in ClinVar's aggregate classification.

Dr. Peter K. Rogan Lab, Western University
No classification provided (evidence only). Condition: Ovarian serous cystadenocarcinoma. Review status: no classification provided. Collection method: in vitro. Allele origin: not applicable. Functional consequence: retained intron. Not counted in ClinVar's aggregate classification.